The following is an entry in ClinVar:

ClinVar aggregate classification (germline): Conflicting classifications of pathogenicity. Review status: criteria provided, conflicting classifications (1 of 4 stars). 6 submissions from 5 submitters: Uncertain significance (1); Benign (1); Likely benign (4). Last evaluated 2026-02-03.

Conditions:
Familial spontaneous pneumothorax (PSP). Identifiers: Orphanet 2903, MedGen C1868193, MONDO:0008259, OMIM 173600.
Birt-Hogg-Dube syndrome. Also called: Birt Hogg Dubé syndrome. Identifiers: Orphanet 122, MedGen C0346010, MONDO:0800444.

Allele frequency attached by ClinVar (database versions not stated): TOPMed 0.00003; gnomAD 0.00005; gnomAD exomes 0.00010; 1000 Genomes Project 30x 0.00016; 1000 Genomes Project 0.00020.
gnomAD v4.1: 158 of 1,614,098 alleles (0.0098%); highest among the groups gnomAD compares: Non-Finnish European, 0.013%; no homozygotes.

Submissions (6):

Labcorp Genetics (formerly Invitae), Labcorp
Classification: Likely benign for Birt-Hogg-Dube syndrome. Last evaluated: 2026-02-03. Review status: criteria provided, single submitter. Criteria: Invitae Variant Classification Sherloc (09022015). Collection method: clinical testing. Allele origin: germline.

Center for Genomic Medicine, Rigshospitalet, Copenhagen University Hospital
Classification: Likely benign. Last evaluated: 2025-12-29. Review status: criteria provided, single submitter. Criteria: ACMG Guidelines, 2015. Collection method: clinical testing. Allele origin: germline.

Blueprint Genetics
Classification: Likely benign. Last evaluated: 2023-12-18. Review status: criteria provided, single submitter. Criteria: ACMG Guidelines, 2015. Collection method: clinical testing. Allele origin: germline.

Illumina Laboratory Services, Illumina
Classification: Uncertain significance for Familial spontaneous pneumothorax. Last evaluated: 2018-01-13. Review status: criteria provided, single submitter. Criteria: ICSL Variant Classification Criteria 13 December 2019. Collection method: clinical testing. Allele origin: germline.

Illumina Laboratory Services, Illumina
Classification: Benign for Birt-Hogg-Dube syndrome 1. Last evaluated: 2018-01-13. Review status: criteria provided, single submitter. Criteria: ICSL Variant Classification Criteria 13 December 2019. Collection method: clinical testing. Allele origin: germline.
Comment: This variant was observed in the ICSL laboratory as part of a predisposition screen in an ostensibly healthy population. It had not been previously curated by ICSL or reported in the Human Gene Mutation Database (HGMD: prior to June 1st, 2018), and was therefore a candidate for classification through an automated scoring system. Utilizing variant allele frequency, disease prevalence and penetrance estimates, and inheritance mode, an automated score was calculated to assess if this variant is too frequent to cause the disease. Based on the score and internal cut-off values, a variant classified as benign is not then subjected to further curation. The score for this variant resulted in a classification of benign for this disease.

GeneDx
Classification: Likely benign. Last evaluated: 2017-11-08. Review status: criteria provided, single submitter. Criteria: GeneDx Variant Classification (06012015). Collection method: clinical testing. Allele origin: germline. Affected: yes.
Comment: This variant is considered likely benign or benign based on one or more of the following criteria: it is a conservative change, it occurs at a poorly conserved position in the protein, it is predicted to be benign by multiple in silico algorithms, and/or has population frequency not consistent with disease.

NM_144997.7(FLCN):c.249+13G>C

Gene: FLCN (folliculin; minus strand). Cytogenetic location: 17p11.2.
Variant type: single nucleotide variant.
Coding change: c.249+13G>C on transcript NM_144997.7 (MANE Select); 13 bases into the intron after coding-DNA position 249, G replaced by C.
Molecular consequence: intron variant.
Genome position (GRCh38, 1-based): chr17:17,227,876, C>G on the plus strand (G>C on the coding strand, the complement: FLCN is on the minus strand). VCF-style: chr17-17227876-C-G. GRCh37 (hg19) VCF-style: chr17-17131190-C-G.
Other names: c.249+13G>C (NM_001353231.2, NM_001353230.2, NM_001353229.2 and 2 more transcripts).
Identifiers: ClinVar variation 322070 (VCV000322070.14), dbSNP rs200103733, ClinGen allele CA8416482.
Genomic context (GRCh38, chr17:17,227,876, plus strand): 5'-CTGCTCTCAGGTCCTCCTGTCCATCCCACACCTACTGCAGGGATCACAAAACCAAGACCC[C>G]AAAGACACTTGCCTCGCACATGTCCGACTTTTTGGGCCCCGGGCTGCTGGACTCGACGCT-3'